The following is an entry in ClinVar:

NM_007294.4(BRCA1):c.5467+9C>T

Gene: BRCA1 (BRCA1 DNA repair associated; minus strand). Cytogenetic location: 17q21.31.
Variant type: single nucleotide variant.
Coding change: c.5467+9C>T on transcript NM_007294.4 (MANE Select); 9 bases into the intron after coding-DNA position 5467, C replaced by T.
Molecular consequence: intron variant.
Genome position (GRCh38, 1-based): chr17:43,047,634, G>A on the plus strand (C>T on the coding strand, the complement: BRCA1 is on the minus strand). VCF-style: chr17-43047634-G-A. GRCh37 (hg19) VCF-style: chr17-41199651-G-A.
Other names: IVS23+9C>T; c.2014+9C>T (NM_001408458.1, NM_001408461.1, NM_001408464.1 and 7 more transcripts); c.4576+9C>T (NM_001407967.1); c.5086+9C>T (NM_001407959.1); c.5200+9C>T (NM_001407931.1, NM_001407932.1, NM_001407928.1 and 4 more transcripts); c.5323+9C>T (NM_001407747.1, NM_001407745.1, NM_001407737.1 and 18 more transcripts); c.5083+9C>T (NM_001407962.1, NM_001407960.1); c.1654+9C>T (NM_001408512.1); and 84 more.
Identifiers: ClinVar variation 125853 (VCV000125853.18), dbSNP rs80358031, ClinGen allele CA003617.

ClinVar aggregate classification (germline): Benign/Likely benign. Review status: criteria provided, multiple submitters, no conflicts (2 of 4 stars). 5 submissions from 5 submitters: Benign (1); Likely benign (3). 1 of the submissions does not count toward it. Last evaluated 2025-11-29.

Conditions:
Hereditary breast ovarian cancer syndrome. Also called: Hereditary breast and/or ovarian cancer syndrome; Breast and ovarian cancer; Hereditary breast and ovarian cancer syndrome; Hereditary breast and ovarian cancer; Hereditary breast and ovarian cancer syndrome (HBOC); BRCA1- and BRCA2-Associated Hereditary Breast and Ovarian Cancer. Identifiers: Orphanet 145, MedGen C0677776, MeSH D061325, MONDO:0003582. Disease mechanism: loss of function.
Breast-ovarian cancer, familial, susceptibility to, 1 (BROVCA1). Also called: BRCA1 Hereditary Breast and Ovarian Cancer; OVARIAN CANCER, SUSCEPTIBILITY TO. Identifiers: Orphanet 145, MedGen C2676676, MONDO:0011450, OMIM 604370. Disease mechanism: loss of function.

Allele frequency attached by ClinVar (database versions not stated): gnomAD exomes below 0.00001 and 0.00001; TOPMed 0.00001.
gnomAD v4.1: 14 of 1,614,118 alleles (0.00087%); highest among the groups gnomAD compares: Admixed American, 0.0017%; no homozygotes.

Submissions (5):

Women's Health and Genetics/Laboratory Corporation of America, LabCorp
Classification: Likely benign. Last evaluated: 2025-11-29. Review status: criteria provided, single submitter. Criteria: LabCorp Variant Classification Summary - May 2015. Collection method: clinical testing. Allele origin: germline.

Labcorp Genetics (formerly Invitae), Labcorp
Classification: Likely benign for Hereditary breast ovarian cancer syndrome. Last evaluated: 2025-07-18. Review status: criteria provided, single submitter. Criteria: Invitae Variant Classification Sherloc (09022015). Collection method: clinical testing. Allele origin: germline.

German Consortium for Hereditary Breast and Ovarian Cancer, University Hospital Cologne
Classification: Likely benign for Hereditary breast ovarian cancer syndrome. Last evaluated: 2023-11-14. Review status: criteria provided, single submitter. Criteria: ClinGen BRCA1 V1.0.0. Collection method: curation. Allele origin: germline.
Comment: BP4, BP7,. According to the ClinGen ENIGMA BRCA1 v1.0.0 criteria we chose these criteria: BP4 (supporting benign): spliceAI: BRCA1: 0.0, BP7 (supporting benign): located outside conserved donor or acceptor motif positions (at or beyond positions +7/-21) IF BP4 met

GeneDx
Classification: Benign. Last evaluated: 2015-07-27. Review status: criteria provided, single submitter. Criteria: GeneDx Variant Classification Process June 2021. Collection method: clinical testing. Allele origin: germline. Affected: yes.

Breast Cancer Information Core (BIC) (BRCA1)
Classification: Uncertain significance for Breast-ovarian cancer, familial 1. Last evaluated: 2004-02-20. Review status: no assertion criteria provided. Collection method: clinical testing. Allele origin: germline. Affected: yes. Observed: 1 variant allele. Not counted in ClinVar's aggregate classification.